The following is an entry in ClinVar:

NM_007294.4(BRCA1):c.548-58del

Gene: BRCA1 (BRCA1 DNA repair associated; minus strand). Cytogenetic location: 17q21.31.
Variant type: Deletion.
Coding change: c.548-58del on transcript NM_007294.4 (MANE Select); 58 bases into the intron before coding-DNA position 548, one base deleted (T; older notation c.548-58delT).
Molecular consequence: intron variant.
Genome position (GRCh38, 1-based): chr17:43,097,347, A deleted on the plus strand (T on the coding strand, the reverse complement: BRCA1 is on the minus strand); the first of 7 consecutive A bases (chr17:43,097,347-43,097,353); deleting any one gives the same sequence. VCF-style (leftmost placement, unchanged base first): chr17-43097346-TA-T. GRCh37 (hg19) VCF-style: chr17-41249363-TA-T.
Other names: IVS8-58delT; IVS 8-58del; IVS8-64delT; IVS8-57delT; c.548-58delT (NM_007294.3, NM_007294.4); c.407-58del (NM_001408458.1, NM_001408469.1, NM_001408453.1 and 43 more transcripts); c.-218-2487del (NM_001407967.1, NM_001407966.1); c.167-58del (NM_001407959.1, NM_001408510.1, NM_001407963.1 and 1 more transcripts); and 19 more.
Identifiers: ClinVar variation 125889 (VCV000125889.26), dbSNP rs8176144, ClinGen allele CA003655.
Genomic context (GRCh38, chr17:43,097,346, plus strand): 5'-GATCCTAAAAAATTTCCCCCCAAAAAATAAATCAATAAAAGTTTTCTTAATTAAAAGGGT[TA>T]AAAAAATGTACTTGTTGAAAAACAGATATTCAACTAGAAATATTTACTGAGCATCTACTG-3'

ClinVar aggregate classification (germline): Benign. Review status: reviewed by expert panel (3 of 4 stars). 11 submissions from 10 submitters: Benign (1). 10 of the submissions do not count toward it. Last evaluated 2015-01-12.
ClinVar aggregate classification (somatic clinical impact): Tier IV - Benign/Likely benign (0 of 4 stars; one submission).

Conditions:
Hereditary cancer-predisposing syndrome. Also called: Tumor predisposition; Hereditary neoplastic syndrome; Hereditary Cancer Syndrome; Neoplastic Syndromes, Hereditary. Identifiers: Orphanet 140162, MedGen C0027672, MeSH D009386, MONDO:0015356.
Hereditary breast ovarian cancer syndrome. Also called: Hereditary breast and/or ovarian cancer syndrome; Breast and ovarian cancer; Hereditary breast and ovarian cancer syndrome; Hereditary breast and ovarian cancer; Hereditary breast and ovarian cancer syndrome (HBOC); BRCA1- and BRCA2-Associated Hereditary Breast and Ovarian Cancer. Identifiers: Orphanet 145, MedGen C0677776, MeSH D061325, MONDO:0003582. Disease mechanism: loss of function.
Breast-ovarian cancer, familial, susceptibility to, 1 (BROVCA1). Also called: BRCA1 Hereditary Breast and Ovarian Cancer; OVARIAN CANCER, SUSCEPTIBILITY TO. Identifiers: Orphanet 145, MedGen C2676676, MONDO:0011450, OMIM 604370. Disease mechanism: loss of function.
Familial cancer of breast. Also called: Hereditary breast cancer; hereditary breast carcinoma; BREAST CANCER, FAMILIAL. Identifiers: Orphanet 227535, MedGen C0346153, MONDO:0016419, OMIM 114480. Disease mechanism: loss of function.

Submissions (12):

Evidence-based Network for the Interpretation of Germline Mutant Alleles (ENIGMA)
Classification: Benign for Breast-ovarian cancer, familial 1. Last evaluated: 2015-01-12. Review status: reviewed by expert panel. Criteria: ENIGMA BRCA1/2 Classification Criteria (2015). Collection method: curation. Allele origin: germline.
Comment: Class 1 not pathogenic based on frequency >1% in an outbred sampleset. Frequency 0.33 (Asian), 0.13 (African), 0.35 (European), derived from 1000 genomes (2012-04-30).

National Health Laboratory Service, Universitas Academic Hospital and University of the Free State
Classification: Benign for Hereditary breast ovarian cancer syndrome. Last evaluated: 2021-11-16. Review status: criteria provided, single submitter. Criteria: ACMG Guidelines, 2015. Collection method: clinical testing. Allele origin: germline. Affected: yes. Observed: 143 variant alleles. Not counted in ClinVar's aggregate classification.

GeneKor MSA
Classification: Benign. Last evaluated: 2017-11-01. Review status: criteria provided, single submitter. Criteria: ACMG Guidelines, 2015. Collection method: clinical testing. Allele origin: germline. Affected: yes. Not counted in ClinVar's aggregate classification.

Color Diagnostics, LLC DBA Color Health
Classification: Benign for Hereditary cancer-predisposing syndrome. Last evaluated: 2015-03-05. Review status: criteria provided, single submitter. Criteria: ACMG Guidelines, 2015. Collection method: clinical testing. Allele origin: germline. Not counted in ClinVar's aggregate classification.

GeneDx
Classification: Benign. Last evaluated: 2015-03-03. Review status: criteria provided, single submitter. Criteria: GeneDx Variant Classification Process June 2021. Collection method: clinical testing. Allele origin: germline. Affected: yes. Not counted in ClinVar's aggregate classification.

Sharing Clinical Reports Project (SCRP)
Classification: Benign for Breast-ovarian cancer, familial 1. Last evaluated: 2011-03-15. Review status: no assertion criteria provided. Collection method: clinical testing. Allele origin: germline. Not counted in ClinVar's aggregate classification.

Breast Cancer Information Core (BIC) (BRCA1)
Classification: Benign for Breast-ovarian cancer, familial 1. Last evaluated: 2004-02-20. Review status: no assertion criteria provided. Collection method: clinical testing. Allele origin: germline, unknown. Affected: yes. Observed: 13 variant alleles. Not counted in ClinVar's aggregate classification.

Clinical Genetics DNA and cytogenetics Diagnostics Lab, Erasmus MC, Erasmus Medical Center
Classification: Benign. Review status: no assertion criteria provided. Collection method: clinical testing. Allele origin: germline. Affected: yes. Study: VKGL Data-share Consensus. Not counted in ClinVar's aggregate classification.

Department of Pathology and Laboratory Medicine, Sinai Health System
Classification: Uncertain significance. Review status: no assertion criteria provided. Collection method: clinical testing. Allele origin: unknown. Affected: yes. Observed: 1 variant allele. Study: The Canadian Open Genetics Repository (COGR). Not counted in ClinVar's aggregate classification.

Faculté Pluridciplinaire Nador, Université Mohamed Premier
Classification: Tier IV - Benign/Likely benign for Familial cancer of breast. Review status: no assertion criteria provided. Collection method: research. Allele origin: somatic. Affected: yes.
Comment: The following databases and algorithms are used to annotate and evaluate the impact of the variant in the context of human disease: 1000 genomes, gnomAD, ClinVar, OMIM, dbSNP, NCIB RefSeq Genes, ExAC Gene Constraints, VS-SIFT, VS-PolyPhen2, PhyloP, GERP++, GeneSplicer, MaxEntScan, NNSplice, PWM Splice Predictor.

Genome Diagnostics Laboratory, University Medical Center Utrecht
Classification: Benign. Review status: no assertion criteria provided. Collection method: clinical testing. Allele origin: germline. Affected: yes. Study: VKGL Data-share Consensus. Not counted in ClinVar's aggregate classification.

Breast Cancer Information Core (BIC) (BRCA1)
Classification: Uncertain significance for Breast-ovarian cancer, familial 1. Last evaluated: 2011-03-02. Review status: flagged submission. Collection method: clinical testing. Allele origin: germline. Affected: yes. Observed: 9 variant alleles. Not counted in ClinVar's aggregate classification.
ClinVar note: Reason: This record appears to be redundant with a more recent record from the same submitter.
ClinVar note: Notes: SCV000145623 appears to be redundant with SCV000145621.

Literature cited by the submitters: DOI 10.3389/fgene.2022.834265 (cited by National Health Laboratory Service, Universitas Academic Hospital and University of the Free State); Ladopolou-et-al.,-Cancer-Lett,-185:61,-2002 (cited by Breast Cancer Information Core (BIC) (BRCA1)).